The following is an entry in ClinVar:

ClinVar aggregate classification (germline): Pathogenic (1 of 4 stars; one submission).

Conditions:
Agammaglobulinemia 4, autosomal recessive (AGM4). Also called: B cell linker protein deficiency; AGAMMAGLOBULINEMIA, AUTOSOMAL RECESSIVE, DUE TO BLNK DEFECT. Identifiers: MedGen C3150752, MONDO:0013289, OMIM 613502.

Submission:

Labcorp Genetics (formerly Invitae), Labcorp
Classification: Pathogenic for Agammaglobulinemia 4, autosomal recessive. Last evaluated: 2022-09-07. Review status: criteria provided, single submitter. Criteria: Invitae Variant Classification Sherloc (09022015). Collection method: clinical testing. Allele origin: germline.
Comment: This variant has not been reported in the literature in individuals affected with BLNK-related conditions. This variant is a gross deletion of the genomic region encompassing exon(s) 1 of the BLNK gene, which includes the initiator codon. This deletion extends beyond the assayed region for this gene and therefore may encompass additional genes. It is expected to result in an absent or disrupted protein product. Loss-of-function variants in BLNK are known to be pathogenic (PMID: 10583958, 24582315). For these reasons, this variant has been classified as Pathogenic.

Literature cited by the submitters: PubMed 10583958; PubMed 24582315.

NC_000010.11:g.(?_96271332)_(96271418_?)del

Gene: BLNK (B cell linker; minus strand). Cytogenetic location: 10q24.1.
Variant type: Deletion.
Identifiers: ClinVar variation 831064 (VCV000831064.6).